The following is an entry in ClinVar:

NM_003024.3(ITSN1):c.3649C>A (p.Pro1217Thr)

Gene: ITSN1 (intersectin 1; plus strand). Cytogenetic location: 21q22.11.
Variant type: single nucleotide variant.
Coding change: c.3649C>A on transcript NM_003024.3 (MANE Select); coding-DNA position 3649, C replaced by A.
Protein change: p.Pro1217Thr; replaces proline 1217 with threonine.
Molecular consequence: missense variant.
Genome position (GRCh38, 1-based): chr21:33,836,620, C>A. VCF-style: chr21-33836620-C-A. GRCh37 (hg19) VCF-style: chr21-35208924-C-A.
Other names: c.3649C>A, p.Pro1217Thr (NM_001001132.2); c.3436C>A, p.Pro1146Thr (NM_001331008.2); c.3634C>A, p.Pro1212Thr (NM_001331009.2, NM_001331010.2); c.3421C>A, p.Pro1141Thr (NM_001331011.2); c.3523C>A, p.Pro1175Thr (NM_001331012.2); short protein forms P1141T, P1212T, P1217T, P1175T, P1146T.
Identifiers: ClinVar variation 5009625 (VCV005009625.1).

ClinVar aggregate classification (germline): Uncertain significance (1 of 4 stars; one submission).

Submission:

GeneDx
Classification: Uncertain significance. Last evaluated: 2026-02-19. Review status: criteria provided, single submitter. Criteria: GeneDx Variant Classification Process June 2021. Collection method: clinical testing. Allele origin: germline.
Comment: Not observed at significant frequency in large population cohorts (gnomAD); In silico analysis supports that this missense variant has a deleterious effect on protein structure/function; Has not been previously published as pathogenic or benign to our knowledge